The following is an entry in ClinVar:

ClinVar aggregate classification (germline): Uncertain significance (1 of 4 stars; one submission).

Submission:

Labcorp Genetics (formerly Invitae), Labcorp
Classification: Uncertain significance. Last evaluated: 2022-09-06. Review status: criteria provided, single submitter. Criteria: Invitae Variant Classification Sherloc (09022015). Collection method: clinical testing. Allele origin: germline.
Comment: In summary, the available evidence is currently insufficient to determine the role of this variant in disease. Therefore, it has been classified as a Variant of Uncertain Significance. Algorithms developed to predict the effect of missense changes on protein structure and function are either unavailable or do not agree on the potential impact of this missense change (SIFT: "Tolerated"; PolyPhen-2: "Possibly Damaging"; Align-GVGD: "Class C0"). This variant has not been reported in the literature in individuals affected with CUL3-related conditions. This variant is not present in population databases (gnomAD no frequency). This sequence change replaces glycine, which is neutral and non-polar, with alanine, which is neutral and non-polar, at codon 76 of the CUL3 protein (p.Gly76Ala).

NM_003590.5(CUL3):c.227G>C (p.Gly76Ala)

Gene: CUL3 (cullin 3; minus strand). Cytogenetic location: 2q36.2.
Variant type: single nucleotide variant.
Coding change: c.227G>C on transcript NM_003590.5 (MANE Select); coding-DNA position 227, G replaced by C.
Protein change: p.Gly76Ala; replaces glycine 76 with alanine.
Molecular consequence: missense variant. On other transcripts: intron variant (1).
Genome position (GRCh38, 1-based): chr2:224,557,696, C>G on the plus strand (G>C on the coding strand, the complement: CUL3 is on the minus strand). VCF-style: chr2-224557696-C-G. GRCh37 (hg19) VCF-style: chr2-225422413-C-G.
Other names: c.245G>C, p.Gly82Ala (NM_001257198.2); c.67-22055G>C (NM_001257197.2); short protein forms G82A, G76A.
Identifiers: ClinVar variation 2132036 (VCV002132036.4), dbSNP rs2106304242, ClinGen allele CA351130672.